The following is an entry in ClinVar:

NM_001042545.2(LTBP4):c.2024G>A (p.Arg675His)

Gene: LTBP4 (latent transforming growth factor beta binding protein 4; plus strand). Cytogenetic location: 19q13.2.
Variant type: single nucleotide variant.
Coding change: c.2024G>A on transcript NM_001042545.2 (MANE Select); coding-DNA position 2024, G replaced by A.
Protein change: p.Arg675His; replaces arginine 675 with histidine.
Molecular consequence: missense variant.
Genome position (GRCh38, 1-based): chr19:40,611,365, G>A. VCF-style: chr19-40611365-G-A. GRCh37 (hg19) VCF-style: chr19-41117271-G-A.
Other names: c.2114G>A, p.Arg705His (NM_003573.2); c.2225G>A, p.Arg742His (NM_001042544.1); short protein forms R742H, R705H, R675H.
Identifiers: ClinVar variation 1436844 (VCV001436844.5), dbSNP rs544264949, ClinGen allele CA9448502.

ClinVar aggregate classification (germline): Uncertain significance (1 of 4 stars; one submission).

Allele frequency attached by ClinVar (database versions not stated): gnomAD 0.00001; ExAC 0.00003; gnomAD exomes 0.00004; 1000 Genomes Project 30x 0.00016; 1000 Genomes Project 0.00020.
gnomAD v4.1: 43 of 1,608,862 alleles (0.0027%); highest among the groups gnomAD compares: East Asian, 0.02%; 1 homozygote.

Submission:

Labcorp Genetics (formerly Invitae), Labcorp
Classification: Uncertain significance. Last evaluated: 2022-08-16. Review status: criteria provided, single submitter. Criteria: Invitae Variant Classification Sherloc (09022015). Collection method: clinical testing. Allele origin: germline.
Comment: This sequence change replaces arginine with histidine at codon 705 of the LTBP4 protein (p.Arg705His). The arginine residue is moderately conserved and there is a small physicochemical difference between arginine and histidine. This variant is present in population databases (rs544264949, gnomAD 0.04%), including at least one homozygous and/or hemizygous individual. In summary, the available evidence is currently insufficient to determine the role of this variant in disease. Therefore, it has been classified as a Variant of Uncertain Significance. Experimental studies and prediction algorithms are not available or were not evaluated, and the functional significance of this variant is currently unknown. ClinVar contains an entry for this variant (Variation ID: 1436844). This variant has not been reported in the literature in individuals affected with LTBP4-related conditions.